The following is an entry in ClinVar:

ClinVar aggregate classification (germline): Conflicting classifications of pathogenicity. Review status: criteria provided, conflicting classifications (1 of 4 stars). 4 submissions from 3 submitters: Uncertain significance (2); Benign (1); Likely benign (1). Last evaluated 2024-03-15.

Conditions:
Hypothyroidism due to TSH receptor mutations. Also called: HYPOTHYROIDISM DUE TO UNRESPONSIVENESS TO THYROTROPIN; HYPOTHYROIDISM, CONGENITAL, DUE TO TSH RESISTANCE; HYPOTHYROIDISM, NONAUTOIMMUNE; THYROID-STIMULATING HORMONE, RESISTANCE TO; TSH RESISTANCE; Hypothyroidism, congenital, nongoitrous, 1. Identifiers: Orphanet 90673, MedGen C3493776, MONDO:0010142, OMIM 275200.
Familial hyperthyroidism due to mutations in TSH receptor. Also called: HYPERTHYROIDISM, CONGENITAL NONAUTOIMMUNE; HYPERTHYROIDISM, NONAUTOIMMUNE, AUTOSOMAL DOMINANT; TOXIC THYROID HYPERPLASIA, AUTOSOMAL DOMINANT. Identifiers: Orphanet 424, MedGen C1836706, MONDO:0012203, OMIM 609152.

Allele frequency attached by ClinVar (database versions not stated): gnomAD 0.00001 and 0.00012; TOPMed 0.00002; gnomAD exomes 0.00023 and 0.00042; ExAC 0.00053; 1000 Genomes Project 0.00100.
gnomAD v4.1: 356 of 1,610,194 alleles (0.022%); highest among the groups gnomAD compares: South Asian, 0.37%; 5 homozygotes.

Submissions (4):

Labcorp Genetics (formerly Invitae), Labcorp
Classification: Likely benign. Last evaluated: 2024-03-15. Review status: criteria provided, single submitter. Criteria: Invitae Variant Classification Sherloc (09022015). Collection method: clinical testing. Allele origin: germline.

Women's Health and Genetics/Laboratory Corporation of America, LabCorp
Classification: Uncertain significance. Last evaluated: 2023-12-11. Review status: criteria provided, single submitter. Criteria: LabCorp Variant Classification Summary - May 2015. Collection method: clinical testing. Allele origin: germline.
Comment: Variant summary: TSHR c.692+3G>A alters a conserved nucleotide located close to a canonical splice site and therefore could affect mRNA splicing, leading to a significantly altered protein sequence. Consensus agreement among computation tools predict no significant impact on normal splicing. However, these predictions have yet to be confirmed by functional studies. The variant allele was found at a frequency of 0.00042 in 251052 control chromosomes. To our knowledge, no occurrence of c.692+3G>A in individuals affected with Hypothyroidism Due To TSH Receptor Mutations and no experimental evidence demonstrating its impact on protein function have been reported. One submitter has cited clinical-significance assessments for this variant to ClinVar after 2014, classifying the variant as likely benign. Based on the evidence outlined above, the variant was classified as uncertain significance.

Illumina Laboratory Services, Illumina
Classification: Benign for Familial hyperthyroidism due to mutations in TSH receptor. Last evaluated: 2018-01-13. Review status: criteria provided, single submitter. Criteria: ICSL Variant Classification Criteria 13 December 2019. Collection method: clinical testing. Allele origin: germline.
Comment: This variant was observed in the ICSL laboratory as part of a predisposition screen in an ostensibly healthy population. It had not been previously curated by ICSL or reported in the Human Gene Mutation Database (HGMD: prior to June 1st, 2018), and was therefore a candidate for classification through an automated scoring system. Utilizing variant allele frequency, disease prevalence and penetrance estimates, and inheritance mode, an automated score was calculated to assess if this variant is too frequent to cause the disease. Based on the score and internal cut-off values, a variant classified as benign is not then subjected to further curation. The score for this variant resulted in a classification of benign for this disease.

Illumina Laboratory Services, Illumina
Classification: Uncertain significance for Hypothyroidism due to TSH receptor mutations. Last evaluated: 2018-01-13. Review status: criteria provided, single submitter. Criteria: ICSL Variant Classification Criteria 13 December 2019. Collection method: clinical testing. Allele origin: germline.

NM_000369.5(TSHR):c.692+3G>A

Genes: TSHR (thyroid stimulating hormone receptor; plus strand), TSHR-AS1 (TSHR antisense RNA 1; minus strand). Cytogenetic location: 14q31.1.
Variant type: single nucleotide variant.
Coding change: c.692+3G>A on transcript NM_000369.5 (MANE Select); 3 bases into the intron after coding-DNA position 692, G replaced by A.
Molecular consequence: intron variant.
Genome position (GRCh38, 1-based): chr14:81,108,455, G>A. VCF-style: chr14-81108455-G-A. GRCh37 (hg19) VCF-style: chr14-81574799-G-A.
Other names: c.692+3G>A (NM_001142626.3, NM_001018036.3).
Identifiers: ClinVar variation 314695 (VCV000314695.12), dbSNP rs552128204, ClinGen allele CA7294230.